The following is an entry in ClinVar:

NM_018699.4(PRDM5):c.475+179T>C

Gene: PRDM5 (PR/SET domain 5; minus strand). Cytogenetic location: 4q27.
Variant type: single nucleotide variant.
Coding change: c.475+179T>C on transcript NM_018699.4 (MANE Select); 179 bases into the intron after coding-DNA position 475, T replaced by C.
Molecular consequence: intron variant.
Genome position (GRCh38, 1-based): chr4:120,820,992, A>G on the plus strand (T>C on the coding strand, the complement: PRDM5 is on the minus strand). VCF-style: chr4-120820992-A-G. GRCh37 (hg19) VCF-style: chr4-121742147-A-G.
Other names: c.475+179T>C (NM_001300824.2, NM_001379106.1, NM_001300823.2 and 1 more transcripts).
Identifiers: ClinVar variation 677899 (VCV000677899.1), dbSNP rs343185, ClinGen allele CA105122179.

ClinVar aggregate classification (germline): Likely benign (1 of 4 stars; one submission).

Allele frequency attached by ClinVar (database versions not stated): gnomAD 0.04971 and 0.05264; TOPMed 0.06007; 1000 Genomes Project 30x 0.08979; 1000 Genomes Project 0.09046.
gnomAD v4.1: 8,094 of 152,272 alleles (5.3%); highest among the groups gnomAD compares: Middle Eastern, 15%; 346 homozygotes.

Submission:

GeneDx
Classification: Likely benign. Last evaluated: 2018-06-14. Review status: criteria provided, single submitter. Criteria: GeneDx Variant Classification (06012015). Collection method: clinical testing. Allele origin: germline. Affected: yes.
Comment: This variant is considered likely benign or benign based on one or more of the following criteria: it is a conservative change, it occurs at a poorly conserved position in the protein, it is predicted to be benign by multiple in silico algorithms, and/or has population frequency not consistent with disease.